The following is an entry in ClinVar:

ClinVar aggregate classification (germline): Uncertain significance (1 of 4 stars; one submission).

Conditions:
Hereditary cancer-predisposing syndrome. Also called: Neoplastic Syndromes, Hereditary; Tumor predisposition; Hereditary neoplastic syndrome; Hereditary Cancer Syndrome. Identifiers: Orphanet 140162, MedGen C0027672, MeSH D009386, MONDO:0015356.

Submission:

Ambry Genetics
Classification: Uncertain significance for Hereditary cancer-predisposing syndrome. Last evaluated: 2026-07-05. Review status: criteria provided, single submitter. Criteria: Ambry Variant Classification Scheme 2023. Collection method: clinical testing. Allele origin: germline.
Comment: The p.A934V variant (also known as c.2801C>T), located in coding exon 21 of the POLD1 gene, results from a C to T substitution at nucleotide position 2801. The alanine at codon 934 is replaced by valine, an amino acid with similar properties. This amino acid position is conserved. In addition, this alteration is predicted to be tolerated by in silico analysis. Based on the available evidence, the clinical significance of this variant remains unclear.

NM_002691.4(POLD1):c.2801C>T (p.Ala934Val)

Gene: POLD1 (DNA polymerase delta 1, catalytic subunit; plus strand). Cytogenetic location: 19q13.33.
Variant type: single nucleotide variant.
Coding change: c.2801C>T on transcript NM_002691.4 (MANE Select); coding-DNA position 2801, C replaced by T.
Protein change: p.Ala934Val; replaces alanine 934 with valine.
Molecular consequence: missense variant.
Genome position (GRCh38, 1-based): chr19:50,415,807, C>T. VCF-style: chr19-50415807-C-T. GRCh37 (hg19) VCF-style: chr19-50919064-C-T.
Other names: c.2801C>T, p.Ala934Val (NM_001256849.1, NM_001438212.1, NM_001438213.1); c.2879C>T, p.Ala960Val (NM_001308632.1); c.2729C>T, p.Ala910Val (NM_001438210.1, NM_001438211.1); short protein forms A910V, A934V, A960V.
Identifiers: ClinVar variation 5026972 (VCV005026972.1).
Genomic context (GRCh38, chr19:50,415,807, plus strand): 5'-GTGCGCCCAGCCTGGGCGACCGCGTCCCCTACGTGATCATCAGTGCCGCCAAGGGTGTGG[C>T]CGCCTACATGAAGTCGGAGGTCAGGCCCACCTGGCTGCCTGCTCCCGCCCAGCCCCCTCG-3'
Protein context (NP_002682.2, residues 924-944): YVIISAAKGV[Ala934Val]AYMKSEDPLF